The following is an entry in ClinVar:

ClinVar aggregate classification (germline): Uncertain significance (1 of 4 stars; one submission).

Allele frequency attached by ClinVar (database versions not stated): gnomAD exomes 0.00001; ExAC 0.00005.
gnomAD v4.1: 7 of 1,547,934 alleles (0.00045%); highest among the groups gnomAD compares: Middle Eastern, 0.035%; no homozygotes.

Submission:

Labcorp Genetics (formerly Invitae), Labcorp
Classification: Uncertain significance. Last evaluated: 2024-08-12. Review status: criteria provided, single submitter. Criteria: Invitae Variant Classification Sherloc (09022015). Collection method: clinical testing. Allele origin: germline.
Comment: This sequence change replaces valine, which is neutral and non-polar, with methionine, which is neutral and non-polar, at codon 71 of the TSEN54 protein (p.Val71Met). The frequency data for this variant in the population databases is considered unreliable, as metrics indicate poor data quality at this position in the gnomAD database. This variant has not been reported in the literature in individuals affected with TSEN54-related conditions. ClinVar contains an entry for this variant (Variation ID: 1931986). Advanced modeling of protein sequence and biophysical properties (such as structural, functional, and spatial information, amino acid conservation, physicochemical variation, residue mobility, and thermodynamic stability) performed at Invitae indicates that this missense variant is not expected to disrupt TSEN54 protein function with a negative predictive value of 80%. In summary, the available evidence is currently insufficient to determine the role of this variant in disease. Therefore, it has been classified as a Variant of Uncertain Significance.

NM_207346.3(TSEN54):c.211G>A (p.Val71Met)

Gene: TSEN54 (tRNA splicing endonuclease subunit 54; plus strand). Cytogenetic location: 17q25.1.
Variant type: single nucleotide variant.
Coding change: c.211G>A on transcript NM_207346.3 (MANE Select); coding-DNA position 211, G replaced by A.
Protein change: p.Val71Met; replaces valine 71 with methionine.
Molecular consequence: missense variant.
Genome position (GRCh38, 1-based): chr17:75,516,900, G>A. VCF-style: chr17-75516900-G-A. GRCh37 (hg19) VCF-style: chr17-73512981-G-A.
Other names: short protein forms V71M.
Identifiers: ClinVar variation 1931986 (VCV001931986.4), dbSNP rs762348914, ClinGen allele CA8763989.